The following is an entry in ClinVar:

ClinVar aggregate classification (germline): Uncertain significance (1 of 4 stars; one submission).

Conditions:
Primary ciliary dyskinesia. Also called: Ciliary dyskinesia. Identifiers: Orphanet 244, MedGen C0008780, MONDO:0016575, HP:0012265.

gnomAD v4.1: 1 of 1,613,470 alleles (0.000062%); highest among the groups gnomAD compares: Non-Finnish European, 0.000085%; no homozygotes.

Submission:

Labcorp Genetics (formerly Invitae), Labcorp
Classification: Uncertain significance for Primary ciliary dyskinesia. Last evaluated: 2022-06-13. Review status: criteria provided, single submitter. Criteria: Invitae Variant Classification Sherloc (09022015). Collection method: clinical testing. Allele origin: germline.
Comment: This variant is not present in population databases (gnomAD no frequency). In summary, the available evidence is currently insufficient to determine the role of this variant in disease. Therefore, it has been classified as a Variant of Uncertain Significance. Advanced modeling of protein sequence and biophysical properties (such as structural, functional, and spatial information, amino acid conservation, physicochemical variation, residue mobility, and thermodynamic stability) performed at Invitae indicates that this missense variant is not expected to disrupt DNAH11 protein function. This variant has not been reported in the literature in individuals affected with DNAH11-related conditions. This sequence change replaces lysine, which is basic and polar, with arginine, which is basic and polar, at codon 2059 of the DNAH11 protein (p.Lys2059Arg).

NM_001277115.2(DNAH11):c.6176A>G (p.Lys2059Arg)

Gene: DNAH11 (dynein axonemal heavy chain 11; plus strand). Cytogenetic location: 7p15.3.
Variant type: single nucleotide variant.
Coding change: c.6176A>G on transcript NM_001277115.2 (MANE Select); coding-DNA position 6176, A replaced by G.
Protein change: p.Lys2059Arg; replaces lysine 2059 with arginine.
Molecular consequence: missense variant.
Genome position (GRCh38, 1-based): chr7:21,698,209, A>G. VCF-style: chr7-21698209-A-G. GRCh37 (hg19) VCF-style: chr7-21737827-A-G.
Other names: short protein forms K2059R.
Identifiers: ClinVar variation 1517088 (VCV001517088.8), dbSNP rs1783930160, ClinGen allele CA366935535.